The following is an entry in ClinVar:

ClinVar aggregate classification (germline): Pathogenic (1 of 4 stars; one submission).

Submission:

GeneDx
Classification: Pathogenic. Last evaluated: 2025-07-29. Review status: criteria provided, single submitter. Criteria: GeneDx Variant Classification Process June 2021. Collection method: clinical testing. Allele origin: germline. Affected: yes.
Comment: Identified in a patient with severe ichthyosis vulgaris in published literature (PMID: 17417636); Frameshift variant predicted to result in protein truncation, as the last 2275 amino acids are replaced with 46 different amino acids, and other loss-of-function variants have been reported downstream in HGMD; Not observed at significant frequency in large population cohorts (gnomAD); This variant is associated with the following publications: (PMID: 17417636)

NM_002016.2(FLG):c.5360del (p.Gly1787fs)

Genes: CCDST (cervical cancer associated DHX9 suppressive transcript; plus strand), FLG (filaggrin; minus strand). Cytogenetic location: 1q21.3.
Variant type: Deletion.
Coding change: c.5360del on transcript NM_002016.2 (MANE Select); coding-DNA position 5360, one base deleted (G; older notation c.5360delG).
Protein change: p.Gly1787fs; shifts the reading frame from glycine 1787.
Molecular consequence: frameshift variant.
Genome position (GRCh38, 1-based): chr1:152,309,526, C deleted on the plus strand (G on the coding strand, the reverse complement: FLG is on the minus strand); the first of 2 consecutive C bases (chr1:152,309,526-152,309,527); deleting either gives the same sequence. VCF-style (leftmost placement, unchanged base first): chr1-152309525-TC-T. GRCh37 (hg19) VCF-style: chr1-152282001-TC-T.
Other names: c.5359delG, p.Gly1787Glufs (NM_002016.1); short protein forms G1787fs.
Identifiers: ClinVar variation 2507213 (VCV002507213.2), dbSNP rs757956232, ClinGen allele CA1105804.